The following is an entry in ClinVar:

NM_182961.4(SYNE1):c.25843A>C (p.Met8615Leu)

Gene: SYNE1 (spectrin repeat containing nuclear envelope protein 1; minus strand). Cytogenetic location: 6q25.2.
Variant type: single nucleotide variant.
Coding change: c.25843A>C on transcript NM_182961.4 (MANE Select); coding-DNA position 25843, A replaced by C.
Protein change: p.Met8615Leu; replaces methionine 8615 with leucine.
Molecular consequence: missense variant.
Genome position (GRCh38, 1-based): chr6:152,133,434, T>G on the plus strand (A>C on the coding strand, the complement: SYNE1 is on the minus strand). VCF-style: chr6-152133434-T-G. GRCh37 (hg19) VCF-style: chr6-152454569-T-G.
Other names: c.2449A>C, p.Met817Leu (NM_001347701.2); c.2377A>C, p.Met793Leu (NM_001347702.2); c.25699A>C, p.Met8567Leu (NM_033071.5); short protein forms M817L, M8615L, M793L, M8567L.
Identifiers: ClinVar variation 2192723 (VCV002192723.4), dbSNP rs745969505, ClinGen allele CA366077249.

ClinVar aggregate classification (germline): Uncertain significance (1 of 4 stars; one submission).

Conditions:
Emery-Dreifuss muscular dystrophy 4, autosomal dominant (EDMD4). Also called: EMERY-DREIFUSS MUSCULAR DYSTROPHY 4 WITH VARIABLE FEATURES. Identifiers: Orphanet 261, MedGen C2751807, MONDO:0013071, OMIM 612998.
Autosomal recessive ataxia, Beauce type. Also called: Spinocerebellar ataxia, autosomal recessive 8; ATAXIA, RECESSIVE, OF BEAUCE; SYNE1-Related Autosomal Recessive Cerebellar Ataxia; SYNE1 Deficiency. Identifiers: Orphanet 88644, MedGen C1853116, MONDO:0012549, OMIM 610743.

Submission:

Labcorp Genetics (formerly Invitae), Labcorp
Classification: Uncertain significance for Emery-Dreifuss muscular dystrophy 4, autosomal dominant; Autosomal recessive ataxia, Beauce type. Last evaluated: 2022-06-16. Review status: criteria provided, single submitter. Criteria: Invitae Variant Classification Sherloc (09022015). Collection method: clinical testing. Allele origin: germline.
Comment: In summary, the available evidence is currently insufficient to determine the role of this variant in disease. Therefore, it has been classified as a Variant of Uncertain Significance. This sequence change replaces methionine, which is neutral and non-polar, with leucine, which is neutral and non-polar, at codon 8567 of the SYNE1 protein (p.Met8567Leu). This variant is not present in population databases (gnomAD no frequency). This variant has not been reported in the literature in individuals affected with SYNE1-related conditions. Algorithms developed to predict the effect of missense changes on protein structure and function are either unavailable or do not agree on the potential impact of this missense change (SIFT: "Deleterious"; PolyPhen-2: "Benign"; Align-GVGD: "Class C0").